The following is an entry in ClinVar:

ClinVar aggregate classification (germline): Likely benign (1 of 4 stars; one submission).

Conditions:
PLXNA1-related disorder. Also called: PLXNA1-related condition.

gnomAD v4.1: 2 of 1,613,438 alleles (0.00012%); highest among the groups gnomAD compares: Admixed American, 0.0033%; no homozygotes.

Submission:

PreventionGenetics, part of Exact Sciences
Classification: Likely benign for PLXNA1-related condition. Last evaluated: 2024-10-11. Review status: criteria provided, single submitter. Criteria: ACMG Guidelines, 2015. Collection method: clinical testing. Allele origin: germline.
Comment: This variant is classified as likely benign based on ACMG/AMP sequence variant interpretation guidelines (Richards et al. 2015 PMID: 25741868, with internal and published modifications).

NM_032242.4(PLXNA1):c.261C>T (p.Gly87=)

Gene: PLXNA1 (plexin A1; plus strand). Cytogenetic location: 3q21.3.
Variant type: single nucleotide variant.
Coding change: c.261C>T on transcript NM_032242.4 (MANE Select); coding-DNA position 261, C replaced by T.
Protein change: p.Gly87=; no amino-acid change (glycine 87 retained).
Molecular consequence: synonymous variant.
Genome position (GRCh38, 1-based): chr3:126,988,854, C>T. VCF-style: chr3-126988854-C-T. GRCh37 (hg19) VCF-style: chr3-126707697-C-T.
Identifiers: ClinVar variation 4986425 (VCV004986425.1).